The following is an entry in ClinVar:

ClinVar aggregate classification (germline): Uncertain significance (1 of 4 stars; one submission).

Conditions:
Citrullinemia. Identifiers: Orphanet 187, MedGen C0175683, MONDO:0015991.

gnomAD v4.1: 3 of 1,613,716 alleles (0.00019%); highest among the groups gnomAD compares: Non-Finnish European, 0.00025%; no homozygotes.

Submission:

Labcorp Genetics (formerly Invitae), Labcorp
Classification: Uncertain significance for Citrullinemia. Last evaluated: 2025-12-03. Review status: criteria provided, single submitter. Criteria: Invitae Variant Classification Sherloc (09022015). Collection method: clinical testing. Allele origin: germline.
Comment: This sequence change replaces alanine, which is neutral and non-polar, with glutamic acid, which is acidic and polar, at codon 258 of the ASS1 protein (p.Ala258Glu). This variant is not present in population databases (gnomAD no frequency). This missense change has been observed in individual(s) with ASS1-related conditions (PMID: 35726796). An algorithm developed to predict the effect of missense changes on protein structure and function (PolyPhen-2) suggests that this variant is likely to be tolerated. This variant disrupts the p.Ala258 amino acid residue in ASS1. Other variant(s) that disrupt this residue have been determined to be pathogenic (PMID: 28111830; external communications, internal data). This suggests that this residue is clinically significant, and that variants that disrupt this residue are likely to be disease-causing. In summary, the available evidence is currently insufficient to determine the role of this variant in disease. Therefore, it has been classified as a Variant of Uncertain Significance.

Literature cited by the submitters: PubMed 35726796; PubMed 28111830.

NM_054012.4(ASS1):c.773C>A (p.Ala258Glu)

Gene: ASS1 (argininosuccinate synthase 1; plus strand). Cytogenetic location: 9q34.11.
Variant type: single nucleotide variant.
Coding change: c.773C>A on transcript NM_054012.4 (MANE Select); coding-DNA position 773, C replaced by A.
Protein change: p.Ala258Glu; replaces alanine 258 with glutamic acid.
Molecular consequence: missense variant.
Genome position (GRCh38, 1-based): chr9:130,479,800, C>A. VCF-style: chr9-130479800-C-A. GRCh37 (hg19) VCF-style: chr9-133355187-C-A.
Other names: c.773C>A, p.Ala258Glu (NM_000050.4); short protein forms A258E.
Identifiers: ClinVar variation 4766252 (VCV004766252.1).
Genomic context (GRCh38, chr9:130,479,800, plus strand): 5'-TCAAGGATGGCACCACCCACCAGACCTCCTTGGAGCTCTTCATGTACCTGAACGAAGTCG[C>A]GTGAGTGTCTGCAGCCCTGTCCGGCCTCTTGGGAACCGCCGTCTCGGGCGAGCACGAGCC-3'
Protein context (NP_446464.1, residues 248-268): LELFMYLNEV[Ala258Glu]GKHGVGRIDI